The following is an entry in ClinVar:

ClinVar aggregate classification (germline): Uncertain significance. Review status: criteria provided, multiple submitters, no conflicts (2 of 4 stars). 2 submissions from 2 submitters: Uncertain significance (2). Last evaluated 2024-07-15.

Conditions:
Hereditary cancer-predisposing syndrome. Also called: Hereditary neoplastic syndrome; Tumor predisposition; Hereditary Cancer Syndrome; Neoplastic Syndromes, Hereditary. Identifiers: Orphanet 140162, MedGen C0027672, MeSH D009386, MONDO:0015356.
Hereditary nonpolyposis colorectal neoplasms. Identifiers: MedGen C0009405, MeSH D003123.

Submissions (2):

Labcorp Genetics (formerly Invitae), Labcorp
Classification: Uncertain significance for Hereditary nonpolyposis colorectal neoplasms. Last evaluated: 2024-07-15. Review status: criteria provided, single submitter. Criteria: Invitae Variant Classification Sherloc (09022015). Collection method: clinical testing. Allele origin: germline.
Comment: This sequence change replaces valine, which is neutral and non-polar, with glycine, which is neutral and non-polar, at codon 698 of the PMS2 protein (p.Val698Gly). The frequency data for this variant in the population databases (gnomAD) is considered unreliable due to the presence of homologous sequence, such as pseudogenes or paralogs, in the genome. This variant has not been reported in the literature in individuals affected with PMS2-related conditions. ClinVar contains an entry for this variant (Variation ID: 2586343). Advanced modeling of protein sequence and biophysical properties (such as structural, functional, and spatial information, amino acid conservation, physicochemical variation, residue mobility, and thermodynamic stability) performed at Invitae indicates that this missense variant is expected to disrupt PMS2 protein function with a positive predictive value of 80%. In summary, the available evidence is currently insufficient to determine the role of this variant in disease. Therefore, it has been classified as a Variant of Uncertain Significance.

Ambry Genetics
Classification: Uncertain significance for Hereditary cancer-predisposing syndrome. Last evaluated: 2023-08-24. Review status: criteria provided, single submitter. Criteria: Ambry Variant Classification Scheme 2023. Collection method: clinical testing. Allele origin: germline.
Comment: The p.V698G variant (also known as c.2093T>G), located in coding exon 12 of the PMS2 gene, results from a T to G substitution at nucleotide position 2093. The valine at codon 698 is replaced by glycine, an amino acid with dissimilar properties. This amino acid position is not well conserved in available vertebrate species. In addition, this alteration is predicted to be deleterious by in silico analysis. Since supporting evidence is limited at this time, the clinical significance of this alteration remains unclear.

NM_000535.7(PMS2):c.2093T>G (p.Val698Gly)

Gene: PMS2 (PMS1 homolog 2, mismatch repair system component; minus strand). Cytogenetic location: 7p22.1.
Variant type: single nucleotide variant.
Coding change: c.2093T>G on transcript NM_000535.7 (MANE Select); coding-DNA position 2093, T replaced by G.
Protein change: p.Val698Gly; replaces valine 698 with glycine.
Molecular consequence: missense variant. On other transcripts: non-coding transcript variant (1).
Genome position (GRCh38, 1-based): chr7:5,982,905, A>C on the plus strand (T>G on the coding strand, the complement: PMS2 is on the minus strand). VCF-style: chr7-5982905-A-C. GRCh37 (hg19) VCF-style: chr7-6022536-A-C.
Other names: c.1688T>G, p.Val563Gly (NM_001322003.2, NM_001322004.2, NM_001322005.2 and 1 more transcripts); c.1937T>G, p.Val646Gly (NM_001322006.2); c.1775T>G, p.Val592Gly (NM_001322007.2, NM_001322008.2); c.1532T>G, p.Val511Gly (NM_001322010.2); c.1160T>G, p.Val387Gly (NM_001322011.2, NM_001322012.2); c.1520T>G, p.Val507Gly (NM_001322013.2); c.2093T>G, p.Val698Gly (NM_001322014.2); c.1784T>G, p.Val595Gly (NM_001322015.2); short protein forms V698G, V387G, V511G, V563G, V592G, V595G, V646G, V507G.
Identifiers: ClinVar variation 2586343 (VCV002586343.4), dbSNP rs1085308060, ClinGen allele CA366738010.
Genomic context (GRCh38, chr7:5,982,905, plus strand): 5'-AGCACGGTGTGCTGCTGCAGCATCTCGAAGTTATACTTCTCGTCCGTGGCATGCTGGTCC[A>C]CTATGAAGATATCCTCATTCAGTTTGGTTATTATAAATCCCAGGTTAAACTGACCAATGA-3'
Protein context (NP_000526.2, residues 688-708): ITKLNEDIFI[Val698Gly]DQHATDEKYN